The following is an entry in ClinVar:

ClinVar aggregate classification (germline): Pathogenic/Likely pathogenic. Review status: criteria provided, multiple submitters, no conflicts (2 of 4 stars). 3 submissions from 3 submitters: Pathogenic (2); Likely pathogenic (1). Last evaluated 2026-03-31.

Conditions:
Alstrom syndrome (ALMS). Identifiers: Orphanet 64, MedGen C0268425, MONDO:0008763, OMIM 203800.
Cardiovascular phenotype. Identifiers: MedGen CN230736.

gnomAD v4.1: 3 of 1,612,466 alleles (0.00019%); highest among the groups gnomAD compares: African/African-American, 0.004%; no homozygotes.

Submissions (3):

GeneDx
Classification: Likely pathogenic. Last evaluated: 2026-03-31. Review status: criteria provided, single submitter. Criteria: GeneDx Variant Classification Process June 2021. Collection method: clinical testing. Allele origin: germline.
Comment: Nonsense variant predicted to result in protein truncation or nonsense mediated decay in a gene for which loss of function is a known mechanism of disease; Not observed at significant frequency in large population cohorts (gnomAD); Has not been previously published as pathogenic or benign to our knowledge

Labcorp Genetics (formerly Invitae), Labcorp
Classification: Pathogenic for Alstrom syndrome. Last evaluated: 2026-01-30. Review status: criteria provided, single submitter. Criteria: Invitae Variant Classification Sherloc (09022015). Collection method: clinical testing. Allele origin: germline.
Comment: This sequence change creates a premature translational stop signal (p.Ser452*) in the ALMS1 gene. It is expected to result in an absent or disrupted protein product. Loss-of-function variants in ALMS1 are known to be pathogenic (PMID: 17594715). This variant is present in population databases (rs540547127, gnomAD 0.01%). This variant has not been reported in the literature in individuals affected with ALMS1-related conditions. ClinVar contains an entry for this variant (Variation ID: 2174478). For these reasons, this variant has been classified as Pathogenic.

Ambry Genetics
Classification: Pathogenic for Cardiovascular phenotype. Last evaluated: 2025-05-30. Review status: criteria provided, single submitter. Criteria: Ambry Variant Classification Scheme 2023. Collection method: clinical testing. Allele origin: germline.
Comment: The p.S452* pathogenic mutation (also known as c.1355C>A), located in coding exon 7 of the ALMS1 gene, results from a C to A substitution at nucleotide position 1355. This changes the amino acid from a serine to a stop codon within coding exon 7. This alteration is expected to result in loss of function by premature protein truncation or nonsense-mediated mRNA decay. As such, this alteration is interpreted as a disease-causing mutation.

Literature cited by the submitters: PubMed 17594715 (cited by Labcorp Genetics (formerly Invitae), Labcorp).

NM_001378454.1(ALMS1):c.1352C>A (p.Ser451Ter)

Gene: ALMS1 (ALMS1 centrosome and basal body associated protein; plus strand). Cytogenetic location: 2p13.1.
Variant type: single nucleotide variant.
Coding change: c.1352C>A on transcript NM_001378454.1 (MANE Select); coding-DNA position 1352, C replaced by A.
Protein change: p.Ser451Ter; replaces serine 451 with a stop codon.
Molecular consequence: nonsense.
Genome position (GRCh38, 1-based): chr2:73,432,211, C>A. VCF-style: chr2-73432211-C-A. GRCh37 (hg19) VCF-style: chr2-73659339-C-A.
Other names: c.1355C>A, p.Ser452Ter (NM_015120.4); short protein forms S452*, S451*.
Identifiers: ClinVar variation 2174478 (VCV002174478.7), dbSNP rs540547127, ClinGen allele CA1713132.